The following is an entry in ClinVar:

NM_033380.3(COL4A5):c.2741G>C (p.Gly914Ala)

Gene: COL4A5 (collagen type IV alpha 5 chain; plus strand). Cytogenetic location: Xq22.3.
Variant type: single nucleotide variant.
Coding change: c.2741G>C on transcript NM_033380.3 (MANE Select); coding-DNA position 2741, G replaced by C.
Protein change: p.Gly914Ala; replaces glycine 914 with alanine.
Molecular consequence: missense variant.
Genome position (GRCh38, 1-based): chrX:108,621,866, G>C. VCF-style: chrX-108621866-G-C. GRCh37 (hg19) VCF-style: chrX-107865096-G-C.
Other names: c.2741G>C, p.Gly914Ala (NM_000495.5); short protein forms G914A.
Identifiers: ClinVar variation 2031218 (VCV002031218.4), dbSNP rs869025332, ClinGen allele CA413852180.
Genomic context (GRCh38, chrX:108,621,866, plus strand): 5'-CCAAAGGTGAAATGGGTATGATGGGACCTCCAGGCCCACCAGGACCTTTGGGAATTCCTG[G>C]CAGGAGTGGTGTACCTGGTCTTAAAGGTAATAATCAAGGTTTGCTGCCAGACGTATGTGA-3'
Protein context (NP_203699.1, residues 904-924): PGPPGPLGIP[Gly914Ala]RSGVPGLKGD

ClinVar aggregate classification (germline): Likely pathogenic (1 of 4 stars; one submission).

Submission:

Labcorp Genetics (formerly Invitae), Labcorp
Classification: Likely pathogenic. Last evaluated: 2022-09-19. Review status: criteria provided, single submitter. Criteria: Invitae Variant Classification Sherloc (09022015). Collection method: clinical testing. Allele origin: germline.
Comment: In summary, the currently available evidence indicates that the variant is pathogenic, but additional data are needed to prove that conclusively. Therefore, this variant has been classified as Likely Pathogenic. This variant disrupts the triple helix domain of COL4A5. Glycine residues within the Gly-Xaa-Yaa repeats of the triple helix domain are required for the structure and stability of fibrillar collagens (PMID: 7695699, 8218237, 19344236). In COL4A5, missense variants at these glycine residues are significantly enriched in individuals with disease (PMID: 23720012, 27627812) compared to the general population (ExAC). Advanced modeling of protein sequence and biophysical properties (such as structural, functional, and spatial information, amino acid conservation, physicochemical variation, residue mobility, and thermodynamic stability) performed at Invitae indicates that this missense variant is expected to disrupt COL4A5 protein function. This variant has not been reported in the literature in individuals affected with COL4A5-related conditions. This variant is not present in population databases (gnomAD no frequency). This sequence change replaces glycine, which is neutral and non-polar, with alanine, which is neutral and non-polar, at codon 914 of the COL4A5 protein (p.Gly914Ala).

Literature cited by the submitters: PubMed 7695699; PubMed 8218237; PubMed 19344236; PubMed 23720012; PubMed 27627812.